The following is an entry in ClinVar:

ClinVar aggregate classification (germline): Uncertain significance. Review status: criteria provided, multiple submitters, no conflicts (2 of 4 stars). 2 submissions from 2 submitters: Uncertain significance (2). Last evaluated 2025-11-25.

Conditions:
Hereditary cancer-predisposing syndrome. Also called: Hereditary Cancer Syndrome; Hereditary neoplastic syndrome; Tumor predisposition; Neoplastic Syndromes, Hereditary. Identifiers: Orphanet 140162, MedGen C0027672, MeSH D009386, MONDO:0015356.

Allele frequency attached by ClinVar (database versions not stated): TOPMed below 0.00001.

Submissions (2):

Labcorp Genetics (formerly Invitae), Labcorp
Classification: Uncertain significance. Last evaluated: 2025-11-25. Review status: criteria provided, single submitter. Criteria: Invitae Variant Classification Sherloc (09022015). Collection method: clinical testing. Allele origin: germline.
Comment: This sequence change replaces threonine, which is neutral and polar, with alanine, which is neutral and non-polar, at codon 365 of the MSH3 protein (p.Thr365Ala). This variant is not present in population databases (gnomAD no frequency). This variant has not been reported in the literature in individuals affected with MSH3-related conditions. ClinVar contains an entry for this variant (Variation ID: 1789907). An algorithm developed to predict the effect of missense changes on protein structure and function (PolyPhen-2) suggests that this variant is likely to be tolerated. In summary, the available evidence is currently insufficient to determine the role of this variant in disease. Therefore, it has been classified as a Variant of Uncertain Significance.

Ambry Genetics
Classification: Uncertain significance for Hereditary cancer-predisposing syndrome. Last evaluated: 2024-01-16. Review status: criteria provided, single submitter. Criteria: Ambry Variant Classification Scheme 2023. Collection method: clinical testing. Allele origin: germline.
Comment: The p.T365A variant (also known as c.1093A>G), located in coding exon 7 of the MSH3 gene, results from an A to G substitution at nucleotide position 1093. The threonine at codon 365 is replaced by alanine, an amino acid with similar properties. This amino acid position is not well conserved in available vertebrate species. In addition, this alteration is predicted to be tolerated by in silico analysis. Since supporting evidence is limited at this time, the clinical significance of this alteration remains unclear.

NM_002439.5(MSH3):c.1093A>G (p.Thr365Ala)

Gene: MSH3 (mutS homolog 3; plus strand). Cytogenetic location: 5q14.1.
Variant type: single nucleotide variant.
Coding change: c.1093A>G on transcript NM_002439.5 (MANE Select); coding-DNA position 1093, A replaced by G.
Protein change: p.Thr365Ala; replaces threonine 365 with alanine.
Molecular consequence: missense variant.
Genome position (GRCh38, 1-based): chr5:80,675,048, A>G. VCF-style: chr5-80675048-A-G. GRCh37 (hg19) VCF-style: chr5-79970867-A-G.
Other names: short protein forms T365A.
Identifiers: ClinVar variation 1789907 (VCV001789907.3), dbSNP rs1749808288, ClinGen allele CA360268064.
Genomic context (GRCh38, chr5:80,675,048, plus strand): 5'-AATCCCCTAATCAAGCTGGATGATGCTGTAAATGTTGATGAGATAATGACTGATACTTCT[A>G]CCAGCTATCTTCTGTGCATCTCTGAAAATAAGGAAAATGTTAGGGACAAAAAAAAGGGCA-3'
Protein context (NP_002430.3, residues 355-375): NVDEIMTDTS[Thr365Ala]SYLLCISENK